The following is an entry in ClinVar:

ClinVar aggregate classification (germline): Benign. Review status: criteria provided, multiple submitters, no conflicts (2 of 4 stars). 4 submissions from 4 submitters: Benign (4). Last evaluated 2026-05-11.

Conditions:
3M syndrome 2. Also called: THREE M SYNDROME 2; 3-M Syndrome, OBSL1-Related. Identifiers: Orphanet 2616, MedGen C2752041, MONDO:0013039, OMIM 612921.

Allele frequency attached by ClinVar (database versions not stated): 1000 Genomes Project 30x 0.01452; 1000 Genomes Project 0.01478; gnomAD exomes 0.02333 and 0.02230; gnomAD 0.01551 and 0.01664; TOPMed 0.01644; ESP Exome Variant Server 0.01743; ExAC 0.02331.
gnomAD v4.1: 36,710 of 1,613,156 alleles (2.3%); highest among the groups gnomAD compares: South Asian, 5.4%; 603 homozygotes.

Submissions (4):

Women's Health and Genetics/Laboratory Corporation of America, LabCorp
Classification: Benign. Last evaluated: 2026-05-11. Review status: criteria provided, single submitter. Criteria: LabCorp Variant Classification Summary - May 2015. Collection method: clinical testing. Allele origin: germline.

Labcorp Genetics (formerly Invitae), Labcorp
Classification: Benign. Last evaluated: 2026-02-04. Review status: criteria provided, single submitter. Criteria: Invitae Variant Classification Sherloc (09022015). Collection method: clinical testing. Allele origin: germline.

Illumina Laboratory Services, Illumina
Classification: Benign for 3M syndrome 2. Last evaluated: 2018-01-13. Review status: criteria provided, single submitter. Criteria: ICSL Variant Classification Criteria 13 December 2019. Collection method: clinical testing. Allele origin: germline.
Comment: This variant was observed in the ICSL laboratory as part of a predisposition screen in an ostensibly healthy population. It had not been previously curated by ICSL or reported in the Human Gene Mutation Database (HGMD: prior to June 1st, 2018), and was therefore a candidate for classification through an automated scoring system. Utilizing variant allele frequency, disease prevalence and penetrance estimates, and inheritance mode, an automated score was calculated to assess if this variant is too frequent to cause the disease. Based on the score and internal cut-off values, a variant classified as benign is not then subjected to further curation. The score for this variant resulted in a classification of benign for this disease.

Breakthrough Genomics
Classification: Benign. Review status: criteria provided, single submitter. Criteria: ACMG Guidelines, 2015. Collection method: not provided. Allele origin: germline. Inheritance: Autosomal recessive inheritance. Affected: yes.

NM_015311.3(OBSL1):c.1884C>T (p.Tyr628=)

Gene: OBSL1 (obscurin like cytoskeletal adaptor 1; minus strand). Cytogenetic location: 2q35.
Variant type: single nucleotide variant.
Coding change: c.1884C>T on transcript NM_015311.3 (MANE Select); coding-DNA position 1884, C replaced by T.
Protein change: p.Tyr628=; no amino-acid change (tyrosine 628 retained).
Molecular consequence: synonymous variant.
Genome position (GRCh38, 1-based): chr2:219,567,080, G>A on the plus strand (C>T on the coding strand, the complement: OBSL1 is on the minus strand). VCF-style: chr2-219567080-G-A. GRCh37 (hg19) VCF-style: chr2-220431802-G-A.
Other names: c.1884C>T, p.Tyr628= (NM_001173408.2, NM_001173431.2).
Identifiers: ClinVar variation 334515 (VCV000334515.15), dbSNP rs115194510, ClinGen allele CA2131383.